The following is an entry in ClinVar:

NM_004519.4(KCNQ3):c.*1582C>T

Gene: KCNQ3 (potassium voltage-gated channel subfamily Q member 3; minus strand). Cytogenetic location: 8q24.22.
Variant type: single nucleotide variant.
Coding change: c.*1582C>T on transcript NM_004519.4 (MANE Select); 1582 bases downstream of the stop codon, C replaced by T.
Molecular consequence: 3 prime UTR variant.
Genome position (GRCh38, 1-based): chr8:132,127,680, G>A on the plus strand (C>T on the coding strand, the complement: KCNQ3 is on the minus strand). VCF-style: chr8-132127680-G-A. GRCh37 (hg19) VCF-style: chr8-133139927-G-A.
Other names: c.*1582C>T (NM_001204824.2).
Identifiers: ClinVar variation 361849 (VCV000361849.6), dbSNP rs140360332, ClinGen allele CA10630236.

ClinVar aggregate classification (germline): Benign (1 of 4 stars; one submission).

Conditions:
Seizures, benign familial neonatal, 2. Also called: CONVULSIONS, BENIGN FAMILIAL NEONATAL, 2; KCNQ3-Related Self-Limited Familial Neonatal Epilepsy (SLFNE); Benign Neonatal Epilepsy 2; KCNQ3-Related Benign Familial Neonatal Epilepsy; Seizures, benign neonatal, 2. Identifiers: Orphanet 1949, MedGen C1852581, MONDO:0007366, OMIM 121201.

Allele frequency attached by ClinVar (database versions not stated): TOPMed 0.00095; 1000 Genomes Project 0.00200; 1000 Genomes Project 30x 0.00172; gnomAD 0.00058 and 0.00061.

Submission:

Illumina Laboratory Services, Illumina
Classification: Benign for Seizures, benign familial neonatal, 2. Last evaluated: 2018-01-13. Review status: criteria provided, single submitter. Criteria: ICSL Variant Classification Criteria 13 December 2019. Collection method: clinical testing. Allele origin: germline.
Comment: This variant was observed in the ICSL laboratory as part of a predisposition screen in an ostensibly healthy population. It had not been previously curated by ICSL or reported in the Human Gene Mutation Database (HGMD: prior to June 1st, 2018), and was therefore a candidate for classification through an automated scoring system. Utilizing variant allele frequency, disease prevalence and penetrance estimates, and inheritance mode, an automated score was calculated to assess if this variant is too frequent to cause the disease. Based on the score and internal cut-off values, a variant classified as benign is not then subjected to further curation. The score for this variant resulted in a classification of benign for this disease.